The following is an entry in ClinVar:

NM_018117.12(WDR11):c.394C>G (p.Leu132Val)

Gene: WDR11 (WD repeat domain 11; plus strand). Cytogenetic location: 10q26.12.
Variant type: single nucleotide variant.
Coding change: c.394C>G on transcript NM_018117.12 (MANE Select); coding-DNA position 394, C replaced by G.
Protein change: p.Leu132Val; replaces leucine 132 with valine.
Molecular consequence: missense variant.
Genome position (GRCh38, 1-based): chr10:120,860,150, C>G. VCF-style: chr10-120860150-C-G. GRCh37 (hg19) VCF-style: chr10-122619662-C-G.
Other names: short protein forms L132V.
Identifiers: ClinVar variation 2369056 (VCV002369056.6), dbSNP rs200398973, ClinGen allele CA5719436.

ClinVar aggregate classification (germline): Uncertain significance. Review status: criteria provided, multiple submitters, no conflicts (2 of 4 stars). 4 submissions from 4 submitters: Uncertain significance (4). Last evaluated 2024-02-02.

Conditions:
Inborn genetic diseases. Identifiers: MedGen C0950123, MeSH D030342.
Hypogonadotropic hypogonadism 7 with or without anosmia (HH7). Also called: HYPOGONADOTROPIC HYPOGONADISM 7 WITHOUT ANOSMIA; GNRHR-Related GnRH Deficiency. Identifiers: Orphanet 432, MedGen C0342384, MONDO:0007794, OMIM 146110.
Intellectual developmental disorder, autosomal recessive 78 (MRT78). Identifiers: MedGen C5830269, MONDO:0859373, OMIM 620237.
Hypogonadotropic hypogonadism 14 with or without anosmia (HH14). Also called: HYPOGONADOTROPIC HYPOGONADISM 14 WITHOUT ANOSMIA. Identifiers: Orphanet 478, MedGen C3540450, MONDO:0013926, OMIM 614858.

Allele frequency attached by ClinVar (database versions not stated): ExAC 0.00004; gnomAD 0.00006.
gnomAD v4.1: 59 of 1,614,040 alleles (0.0037%); highest among the groups gnomAD compares: Admixed American, 0.0017%; no homozygotes.

Submissions (4):

Labcorp Genetics (formerly Invitae), Labcorp
Classification: Uncertain significance. Last evaluated: 2024-02-02. Review status: criteria provided, single submitter. Criteria: Invitae Variant Classification Sherloc (09022015). Collection method: clinical testing. Allele origin: germline.
Comment: This sequence change replaces leucine, which is neutral and non-polar, with valine, which is neutral and non-polar, at codon 132 of the WDR11 protein (p.Leu132Val). This variant is present in population databases (rs200398973, gnomAD 0.1%). This variant has not been reported in the literature in individuals affected with WDR11-related conditions. ClinVar contains an entry for this variant (Variation ID: 2369056). An algorithm developed to predict the effect of missense changes on protein structure and function (PolyPhen-2) suggests that this variant is likely to be disruptive. In summary, the available evidence is currently insufficient to determine the role of this variant in disease. Therefore, it has been classified as a Variant of Uncertain Significance.

Department of Pathology and Laboratory Medicine, Sinai Health System
Classification: Uncertain significance for Hypogonadotropic hypogonadism 7 with or without anosmia; Hypogonadotropic hypogonadism 14 with or without anosmia; Intellectual developmental disorder, autosomal recessive 78. Last evaluated: 2023-05-10. Review status: criteria provided, single submitter. Criteria: ACMG Guidelines, 2015. Collection method: research. Allele origin: germline.

GeneDx
Classification: Uncertain significance. Last evaluated: 2022-10-13. Review status: criteria provided, single submitter. Criteria: GeneDx Variant Classification Process June 2021. Collection method: clinical testing. Allele origin: germline. Affected: yes.
Comment: In silico analysis supports that this missense variant has a deleterious effect on protein structure/function; Has not been previously published as pathogenic or benign to our knowledge

Ambry Genetics
Classification: Uncertain significance for Inborn genetic diseases. Last evaluated: 2022-07-19. Review status: criteria provided, single submitter. Criteria: Ambry Variant Classification Scheme 2023. Collection method: clinical testing. Allele origin: germline.